The following is an entry in ClinVar:

NM_017617.5(NOTCH1):c.7606G>A (p.Val2536Ile)

Gene: NOTCH1 (notch receptor 1; minus strand). Cytogenetic location: 9q34.3.
Variant type: single nucleotide variant.
Coding change: c.7606G>A on transcript NM_017617.5 (MANE Select); coding-DNA position 7606, G replaced by A.
Protein change: p.Val2536Ile; replaces valine 2536 with isoleucine.
Molecular consequence: missense variant.
Genome position (GRCh38, 1-based): chr9:136,496,133, C>T on the plus strand (G>A on the coding strand, the complement: NOTCH1 is on the minus strand). VCF-style: chr9-136496133-C-T. GRCh37 (hg19) VCF-style: chr9-139390585-C-T.
Other names: c.7606G>A, p.Val2536Ile (LRG_1122t1); c.7606G>A (NM_017617.4); short protein forms V2536I.
Identifiers: ClinVar variation 477975 (VCV000477975.47), dbSNP rs111627256, ClinGen allele CA5339646.

ClinVar aggregate classification (germline): Conflicting classifications of pathogenicity. Review status: criteria provided, conflicting classifications (1 of 4 stars). 11 submissions from 11 submitters: Uncertain significance (1); Benign (1); Likely benign (6). 3 of the submissions do not count toward it. Last evaluated 2026-01-27.

Conditions:
Adams-Oliver syndrome 5 (AOS5). Identifiers: Orphanet 974, MedGen C4014970, MONDO:0014459, OMIM 616028.
Familial thoracic aortic aneurysm and aortic dissection (TAAD). Also called: Thoracic aortic aneurysms and dissections. Identifiers: Orphanet 91387, MedGen C4707243, MONDO:0019625.
NOTCH1-related disorder. Also called: NOTCH1-related disorders; NOTCH1-related condition.

Allele frequency attached by ClinVar (database versions not stated): gnomAD exomes 0.00023 and 0.00036; ExAC 0.00040; ESP Exome Variant Server 0.00041; gnomAD 0.00057 and 0.00058; TOPMed 0.00063; 1000 Genomes Project 0.00120; 1000 Genomes Project 30x 0.00125.
gnomAD v4.1: 442 of 1,609,464 alleles (0.027%); highest among the groups gnomAD compares: African/African-American, 0.12%; 2 homozygotes.

Submissions (11):

Labcorp Genetics (formerly Invitae), Labcorp
Classification: Likely benign for Adams-Oliver syndrome 5. Last evaluated: 2026-01-27. Review status: criteria provided, single submitter. Criteria: Invitae Variant Classification Sherloc (09022015). Collection method: clinical testing. Allele origin: germline.

ARUP Laboratories, Molecular Genetics and Genomics, ARUP Laboratories
Classification: Likely benign. Last evaluated: 2025-01-06. Review status: criteria provided, single submitter. Criteria: ARUP Molecular Germline Variant Investigation Process 2024. Collection method: clinical testing. Allele origin: germline.

Blueprint Genetics
Classification: Likely benign. Last evaluated: 2024-10-25. Review status: criteria provided, single submitter. Criteria: ACMG Guidelines, 2015. Collection method: clinical testing. Allele origin: germline.

Women's Health and Genetics/Laboratory Corporation of America, LabCorp
Classification: Likely benign. Last evaluated: 2024-06-17. Review status: criteria provided, single submitter. Criteria: LabCorp Variant Classification Summary - May 2015. Collection method: clinical testing. Allele origin: germline.

CeGaT Center for Human Genetics Tuebingen
Classification: Benign. Last evaluated: 2023-10-01. Review status: criteria provided, single submitter. Criteria: CeGaT Center For Human Genetics Tuebingen Variant Classification Criteria Version 2. Collection method: clinical testing. Allele origin: germline. Affected: yes. Observed: 1 variant allele.
Comment: NOTCH1: BP4, BS1, BS2

GeneDx
Classification: Likely benign. Last evaluated: 2018-03-16. Review status: criteria provided, single submitter. Criteria: GeneDx Variant Classification (06012015). Collection method: clinical testing. Allele origin: germline. Affected: yes.
Comment: This variant is considered likely benign or benign based on one or more of the following criteria: it is a conservative change, it occurs at a poorly conserved position in the protein, it is predicted to be benign by multiple in silico algorithms, and/or has population frequency not consistent with disease.

Ambry Genetics
Classification: Likely benign for Familial thoracic aortic aneurysm and aortic dissection. Last evaluated: 2018-03-14. Review status: criteria provided, single submitter. Criteria: Ambry Variant Classification Scheme 2023. Collection method: clinical testing. Allele origin: germline.

CHEO Genetics Diagnostic Laboratory, Children's Hospital of Eastern Ontario
Classification: Uncertain significance for Familial thoracic aortic aneurysm and aortic dissection. Last evaluated: 2017-02-10. Review status: criteria provided, single submitter. Criteria: ACMG Guidelines, 2015. Collection method: clinical testing. Allele origin: germline. Study: Canadian Open Genetics Repository.

PreventionGenetics, part of Exact Sciences
Classification: Likely benign for NOTCH1-related condition. Last evaluated: 2022-01-28. Review status: no assertion criteria provided. Collection method: clinical testing. Allele origin: germline. Not counted in ClinVar's aggregate classification.
Comment: This variant is classified as likely benign based on ACMG/AMP sequence variant interpretation guidelines (Richards et al. 2015 PMID: 25741868, with internal and published modifications).

Clinical Genetics DNA and cytogenetics Diagnostics Lab, Erasmus MC, Erasmus Medical Center
Classification: Likely benign. Review status: no assertion criteria provided. Collection method: clinical testing. Allele origin: germline. Affected: yes. Study: VKGL Data-share Consensus. Not counted in ClinVar's aggregate classification.

Genome Diagnostics Laboratory, Amsterdam University Medical Center
Classification: Likely benign. Review status: no assertion criteria provided. Collection method: clinical testing. Allele origin: germline. Affected: yes. Study: VKGL Data-share Consensus. Not counted in ClinVar's aggregate classification.

Literature cited by the submitters: PubMed 24943832 (cited by Women's Health and Genetics/Laboratory Corporation of America, LabCorp); PubMed 16614245 (cited by Women's Health and Genetics/Laboratory Corporation of America, LabCorp); PubMed 21670202 (cited by Women's Health and Genetics/Laboratory Corporation of America, LabCorp); PubMed 22210878 (cited by Women's Health and Genetics/Laboratory Corporation of America, LabCorp); PubMed 19635999 (cited by Women's Health and Genetics/Laboratory Corporation of America, LabCorp); PubMed 26837699 (cited by Women's Health and Genetics/Laboratory Corporation of America, LabCorp); PubMed 23086750 (cited by Women's Health and Genetics/Laboratory Corporation of America, LabCorp); PubMed 19245433 (cited by Women's Health and Genetics/Laboratory Corporation of America, LabCorp); PubMed 22077063 (cited by Women's Health and Genetics/Laboratory Corporation of America, LabCorp); PubMed 15472075 (cited by Women's Health and Genetics/Laboratory Corporation of America, LabCorp); PubMed 23734977 (cited by Women's Health and Genetics/Laboratory Corporation of America, LabCorp); PubMed 18593716 (cited by Ambry Genetics).